The following is an entry in ClinVar:

NM_005912.3(MC4R):c.807C>T (p.Ile269=)

Gene: MC4R (melanocortin 4 receptor; minus strand). Cytogenetic location: 18q21.32.
Variant type: single nucleotide variant.
Coding change: c.807C>T on transcript NM_005912.3 (MANE Select); coding-DNA position 807, C replaced by T.
Protein change: p.Ile269=; no amino-acid change (isoleucine 269 retained).
Molecular consequence: synonymous variant.
Genome position (GRCh38, 1-based): chr18:60,371,543, G>A on the plus strand (C>T on the coding strand, the complement: MC4R is on the minus strand). VCF-style: chr18-60371543-G-A. GRCh37 (hg19) VCF-style: chr18-58038776-G-A.
Identifiers: ClinVar variation 3356280 (VCV003356280.1).
Genomic context (GRCh38, chr18:60,371,543, plus strand): 5'-TATGAGATACAAGTTAAAGTGAGACATGAAGCACACACAATATGGATTCTGAGGACAAGA[G>A]ATGTAGAATATTAAGTGGAGGAAGAATGGGGCCCAGCAGACAACAAAGACGCCAATCAGG-3'
Protein context (NP_005903.2, residues 259-279): APFFLHLIFY[Ile269=]SCPQNPYCVC

ClinVar aggregate classification (germline): Likely benign (0 of 4 stars; one submission).

Conditions:
MC4R-related disorder. Also called: MC4R-related condition.

Submission:

PreventionGenetics, part of Exact Sciences
Classification: Likely benign for MC4R-related condition. Last evaluated: 2023-05-17. Review status: no assertion criteria provided. Collection method: clinical testing. Allele origin: germline.
Comment: This variant is classified as likely benign based on ACMG/AMP sequence variant interpretation guidelines (Richards et al. 2015 PMID: 25741868, with internal and published modifications).